The following is an entry in ClinVar:

ClinVar aggregate classification (germline): Conflicting classifications of pathogenicity. Review status: criteria provided, conflicting classifications (1 of 4 stars). 4 submissions from 3 submitters: Uncertain significance (3); Likely benign (1). Last evaluated 2022-12-01.

Conditions:
Noonan syndrome 4 (NS4). Also called: SOS1-Related Noonan Syndrome; NOONAN SYNDROME WITH PIGMENTED VILLONODULAR SYNOVITIS. Identifiers: Orphanet 648, MedGen C1853120, MONDO:0012547, OMIM 610733.
Fibromatosis, gingival, 1 (GINGF1). Identifiers: Orphanet 2024, MedGen C4551558, MONDO:0007609, OMIM 135300.

Allele frequency attached by ClinVar (database versions not stated): TOPMed 0.00066; gnomAD 0.00078 and 0.00089; gnomAD exomes 0.00098.
gnomAD v4.1: 146 of 173,506 alleles (0.084%); highest among the groups gnomAD compares: Middle Eastern, 0.3%; 1 homozygote.

Submissions (4):

CeGaT Center for Human Genetics Tuebingen
Classification: Likely benign. Last evaluated: 2022-12-01. Review status: criteria provided, single submitter. Criteria: CeGaT Center For Human Genetics Tuebingen Variant Classification Criteria Version 2. Collection method: clinical testing. Allele origin: germline. Affected: yes. Observed: 2 variant alleles.
Comment: SOS1: BS1

Fulgent Genetics
Classification: Uncertain significance for Fibromatosis, gingival, 1; Noonan syndrome 4. Last evaluated: 2021-08-05. Review status: criteria provided, single submitter. Criteria: ACMG Guidelines, 2015. Collection method: clinical testing. Allele origin: unknown.

Illumina Laboratory Services, Illumina
Classification: Uncertain significance for Fibromatosis, gingival, 1. Last evaluated: 2018-01-12. Review status: criteria provided, single submitter. Criteria: ICSL Variant Classification Criteria 13 December 2019. Collection method: clinical testing. Allele origin: germline.

Illumina Laboratory Services, Illumina
Classification: Uncertain significance for Noonan syndrome 4. Last evaluated: 2018-01-12. Review status: criteria provided, single submitter. Criteria: ICSL Variant Classification Criteria 13 December 2019. Collection method: clinical testing. Allele origin: germline.

NM_005633.4(SOS1):c.*534C>T

Gene: SOS1 (SOS Ras/Rac guanine nucleotide exchange factor 1; minus strand). Cytogenetic location: 2p22.1.
Variant type: single nucleotide variant.
Coding change: c.*534C>T on transcript NM_005633.4 (MANE Select); 534 bases downstream of the stop codon, C replaced by T.
Molecular consequence: 3 prime UTR variant.
Genome position (GRCh38, 1-based): chr2:38,985,290, G>A on the plus strand (C>T on the coding strand, the complement: SOS1 is on the minus strand). VCF-style: chr2-38985290-G-A. GRCh37 (hg19) VCF-style: chr2-39212431-G-A.
Other names: c.*534C>T (NM_001382394.1, NM_001382395.1).
Identifiers: ClinVar variation 336009 (VCV000336009.30), dbSNP rs773935049, ClinGen allele CA10615222.